The following is an entry in ClinVar:

NM_001903.5(CTNNA1):c.1423C>T (p.Pro475Ser)

Gene: CTNNA1 (catenin alpha 1; plus strand). Cytogenetic location: 5q31.2.
Variant type: single nucleotide variant.
Coding change: c.1423C>T on transcript NM_001903.5 (MANE Select); coding-DNA position 1423, C replaced by T.
Protein change: p.Pro475Ser; replaces proline 475 with serine.
Molecular consequence: missense variant. On other transcripts: 5 prime UTR variant (5).
Genome position (GRCh38, 1-based): chr5:138,917,775, C>T. VCF-style: chr5-138917775-C-T. GRCh37 (hg19) VCF-style: chr5-138253464-C-T.
Other names: c.1423C>T, p.Pro475Ser (NM_001290307.3, NM_001323982.2, NM_001323983.1 and 2 more transcripts); c.1114C>T, p.Pro372Ser (NM_001290309.3); c.1054C>T, p.Pro352Ser (NM_001290310.3); c.313C>T, p.Pro105Ser (NM_001290312.1, NM_001323987.1, NM_001323988.1 and 17 more transcripts); c.1330C>T, p.Pro444Ser (NM_001323986.2); c.-27C>T (NM_001324006.1, NM_001324007.1, NM_001324008.1 and 2 more transcripts); c.220C>T, p.Pro74Ser (NM_001324011.1); c.70C>T, p.Pro24Ser (NM_001324012.1, NM_001324013.1); short protein forms P372S, P444S, P475S, P105S, P24S, P352S, P74S.
Identifiers: ClinVar variation 1500092 (VCV001500092.8), dbSNP rs1183219056, ClinGen allele CA361137148.

ClinVar aggregate classification (germline): Uncertain significance (1 of 4 stars; one submission).

Allele frequency attached by ClinVar (database versions not stated): gnomAD exomes below 0.00001.
gnomAD v4.1: 1 of 1,614,146 alleles (0.000062%); highest among the groups gnomAD compares: South Asian, 0.0011%; no homozygotes.

Submission:

Labcorp Genetics (formerly Invitae), Labcorp
Classification: Uncertain significance. Last evaluated: 2023-08-04. Review status: criteria provided, single submitter. Criteria: Invitae Variant Classification Sherloc (09022015). Collection method: clinical testing. Allele origin: germline.
Comment: This variant is present in population databases (no rsID available, gnomAD 0.003%). In summary, the available evidence is currently insufficient to determine the role of this variant in disease. Therefore, it has been classified as a Variant of Uncertain Significance. Advanced modeling of protein sequence and biophysical properties (such as structural, functional, and spatial information, amino acid conservation, physicochemical variation, residue mobility, and thermodynamic stability) performed at Invitae indicates that this missense variant is not expected to disrupt CTNNA1 protein function. ClinVar contains an entry for this variant (Variation ID: 1500092). This variant has not been reported in the literature in individuals affected with CTNNA1-related conditions. This sequence change replaces proline, which is neutral and non-polar, with serine, which is neutral and polar, at codon 475 of the CTNNA1 protein (p.Pro475Ser).